The following is an entry in ClinVar:

NM_018896.5(CACNA1G):c.2230T>C (p.Tyr744His)

Gene: CACNA1G (calcium voltage-gated channel subunit alpha1 G; plus strand). Cytogenetic location: 17q21.33.
Variant type: single nucleotide variant.
Coding change: c.2230T>C on transcript NM_018896.5 (MANE Select); coding-DNA position 2230, T replaced by C.
Protein change: p.Tyr744His; replaces tyrosine 744 with histidine.
Molecular consequence: missense variant. On other transcripts: non-coding transcript variant (5).
Genome position (GRCh38, 1-based): chr17:50,578,493, T>C. VCF-style: chr17-50578493-T-C. GRCh37 (hg19) VCF-style: chr17-48655854-T-C.
Other names: c.2230T>C, p.Tyr744His (NM_001256324.2, NM_001256325.2, NM_001256326.2 and 24 more transcripts); short protein forms Y744H.
Identifiers: ClinVar variation 1341610 (VCV001341610.3), dbSNP rs2041202427, ClinGen allele CA400243179.

ClinVar aggregate classification (germline): Uncertain significance (1 of 4 stars; one submission).

Allele frequency attached by ClinVar (database versions not stated): TOPMed below 0.00001; gnomAD 0.00001.
gnomAD v4.1: 1 of 1,588,608 alleles (0.000063%); highest among the groups gnomAD compares: Non-Finnish European, 0.000086%; no homozygotes.

Submission:

GeneDx
Classification: Uncertain significance. Last evaluated: 2025-09-01. Review status: criteria provided, single submitter. Criteria: GeneDx Variant Classification Process June 2021. Collection method: clinical testing. Allele origin: germline. Affected: yes.
Comment: Has not been previously published as pathogenic or benign to our knowledge; Not observed at significant frequency in large population cohorts (gnomAD); In silico analysis supports that this missense variant has a deleterious effect on protein structure/function